The following is an entry in ClinVar:

ClinVar aggregate classification (germline): Uncertain significance (1 of 4 stars; one submission).

Conditions:
Neurofibromatosis, type 1 (NF1). Also called: VON RECKLINGHAUSEN DISEASE; Peripheral type neurofibromatosis; Neurofibromatosis, type I; NEUROFIBROMATOSIS, TYPE I, SOMATIC. Identifiers: Orphanet 636, MedGen C0027831, MONDO:0018975, OMIM 162200. Disease mechanism: loss of function.

gnomAD v4.1: 1 of 1,609,968 alleles (0.000062%); highest among the groups gnomAD compares: Non-Finnish European, 0.000085%; no homozygotes.

Submission:

Labcorp Genetics (formerly Invitae), Labcorp
Classification: Uncertain significance for Neurofibromatosis, type 1. Last evaluated: 2023-01-06. Review status: criteria provided, single submitter. Criteria: Invitae Variant Classification Sherloc (09022015). Collection method: clinical testing. Allele origin: germline.
Comment: Algorithms developed to predict the effect of sequence changes on RNA splicing suggest that this variant may create or strengthen a splice site. In summary, the available evidence is currently insufficient to determine the role of this variant in disease. Therefore, it has been classified as a Variant of Uncertain Significance. Advanced modeling of protein sequence and biophysical properties (such as structural, functional, and spatial information, amino acid conservation, physicochemical variation, residue mobility, and thermodynamic stability) performed at Invitae indicates that this missense variant is not expected to disrupt NF1 protein function. This variant has not been reported in the literature in individuals affected with NF1-related conditions. This variant is not present in population databases (gnomAD no frequency). This sequence change replaces leucine, which is neutral and non-polar, with valine, which is neutral and non-polar, at codon 2516 of the NF1 protein (p.Leu2516Val).

NM_001042492.3(NF1):c.7609T>G (p.Leu2537Val)

Gene: NF1 (neurofibromin 1; plus strand). Cytogenetic location: 17q11.2.
Variant type: single nucleotide variant.
Coding change: c.7609T>G on transcript NM_001042492.3 (MANE Select); coding-DNA position 7609, T replaced by G.
Protein change: p.Leu2537Val; replaces leucine 2537 with valine.
Molecular consequence: missense variant.
Genome position (GRCh38, 1-based): chr17:31,352,408, T>G. VCF-style: chr17-31352408-T-G. GRCh37 (hg19) VCF-style: chr17-29679426-T-G.
Other names: c.7546T>G, p.Leu2516Val (NM_000267.4); short protein forms L2516V, L2537V.
Identifiers: ClinVar variation 2826470 (VCV002826470.3), dbSNP rs748843392, ClinGen allele CA399017881.
Genomic context (GRCh38, chr17:31,352,408, plus strand): 5'-CGAGCCAGGAAATCCATGAGCCTGGACATGGGGCAACCTTCTCAGGCCAACACTAAGAAG[T>G]TGCTTGGTTAGTTTATCTAAATTATGTAGATTTTTTTTATTATTTAAAAAAATAGATATT-3'
Protein context (NP_001035957.1, residues 2527-2547): GQPSQANTKK[Leu2537Val]LGTRKSFDHL